The following is an entry in ClinVar:

ClinVar aggregate classification (germline): Likely benign. Review status: criteria provided, multiple submitters, no conflicts (2 of 4 stars). 2 submissions from 2 submitters: Likely benign (2). Last evaluated 2025-11-23.

Allele frequency attached by ClinVar (database versions not stated): gnomAD exomes below 0.00001.
gnomAD v4.1: 1 of 1,613,954 alleles (0.000062%); highest among the groups gnomAD compares: Admixed American, 0.0017%; no homozygotes.

Submissions (2):

Labcorp Genetics (formerly Invitae), Labcorp
Classification: Likely benign. Last evaluated: 2025-11-23. Review status: criteria provided, single submitter. Criteria: Invitae Variant Classification Sherloc (09022015). Collection method: clinical testing. Allele origin: germline.

CeGaT Center for Human Genetics Tuebingen
Classification: Likely benign. Last evaluated: 2022-11-01. Review status: criteria provided, single submitter. Criteria: CeGaT Center For Human Genetics Tuebingen Variant Classification Criteria Version 2. Collection method: clinical testing. Allele origin: germline. Affected: yes. Observed: 2 variant alleles.
Comment: COL4A1: PM2:Supporting, BP4, BP7

NM_001845.6(COL4A1):c.801A>C (p.Gly267=)

Gene: COL4A1 (collagen type IV alpha 1 chain; minus strand). Cytogenetic location: 13q34.
Variant type: single nucleotide variant.
Coding change: c.801A>C on transcript NM_001845.6 (MANE Select); coding-DNA position 801, A replaced by C.
Protein change: p.Gly267=; no amino-acid change (glycine 267 retained).
Molecular consequence: synonymous variant.
Genome position (GRCh38, 1-based): chr13:110,206,871, T>G on the plus strand (A>C on the coding strand, the complement: COL4A1 is on the minus strand). VCF-style: chr13-110206871-T-G. GRCh37 (hg19) VCF-style: chr13-110859218-T-G.
Other names: c.801A>C, p.Gly267= (NM_001303110.2).
Identifiers: ClinVar variation 623830 (VCV000623830.44), dbSNP rs1566374260, ClinGen allele CA484791549.